The following is an entry in ClinVar:

NM_020937.4(FANCM):c.373A>C (p.Met125Leu)

Gene: FANCM (FA complementation group M; plus strand). Cytogenetic location: 14q21.2.
Variant type: single nucleotide variant.
Coding change: c.373A>C on transcript NM_020937.4 (MANE Select); coding-DNA position 373, A replaced by C.
Protein change: p.Met125Leu; replaces methionine 125 with leucine.
Molecular consequence: missense variant.
Genome position (GRCh38, 1-based): chr14:45,136,404, A>C. VCF-style: chr14-45136404-A-C. GRCh37 (hg19) VCF-style: chr14-45605607-A-C.
Other names: c.373A>C, p.Met125Leu (NM_001308133.2, NM_001308134.2); short protein forms M125L.
Identifiers: ClinVar variation 4022615 (VCV004022615.1).

ClinVar aggregate classification (germline): Uncertain significance (1 of 4 stars; one submission).

Conditions:
Inborn genetic diseases. Identifiers: MedGen C0950123, MeSH D030342.

Submission:

Ambry Genetics
Classification: Uncertain significance for Inborn genetic diseases. Last evaluated: 2025-03-25. Review status: criteria provided, single submitter. Criteria: Ambry Variant Classification Scheme 2023. Collection method: clinical testing. Allele origin: germline.
Comment: The p.M125L variant (also known as c.373A>C), located in coding exon 1 of the FANCM gene, results from an A to C substitution at nucleotide position 373. The methionine at codon 125 is replaced by leucine, an amino acid with highly similar properties. This amino acid position is conserved. In addition, this alteration is predicted to be tolerated by in silico analysis. Based on the available evidence, the clinical significance of this variant remains unclear.